The following is an entry in ClinVar:

ClinVar aggregate classification (germline): Uncertain significance (1 of 4 stars; one submission).

Conditions:
Familial hemiplegic migraine. Identifiers: MedGen C0338484, MONDO:0000700.

Allele frequency attached by ClinVar (database versions not stated): TOPMed below 0.00001; gnomAD 0.00001.
gnomAD v4.1: 1 of 1,614,068 alleles (0.000062%); highest among the groups gnomAD compares: Non-Finnish European, 0.000085%; no homozygotes.

Submission:

Labcorp Genetics (formerly Invitae), Labcorp
Classification: Uncertain significance for Familial hemiplegic migraine. Last evaluated: 2023-01-22. Review status: criteria provided, single submitter. Criteria: Invitae Variant Classification Sherloc (09022015). Collection method: clinical testing. Allele origin: germline.
Comment: This variant has not been reported in the literature in individuals affected with ATP1A2-related conditions. In summary, the available evidence is currently insufficient to determine the role of this variant in disease. Therefore, it has been classified as a Variant of Uncertain Significance. Advanced modeling of protein sequence and biophysical properties (such as structural, functional, and spatial information, amino acid conservation, physicochemical variation, residue mobility, and thermodynamic stability) performed at Invitae indicates that this missense variant is expected to disrupt ATP1A2 protein function. ClinVar contains an entry for this variant (Variation ID: 1468504). This variant is not present in population databases (gnomAD no frequency). This sequence change replaces alanine, which is neutral and non-polar, with threonine, which is neutral and polar, at codon 621 of the ATP1A2 protein (p.Ala621Thr).

NM_000702.4(ATP1A2):c.1861G>A (p.Ala621Thr)

Gene: ATP1A2 (ATPase Na+/K+ transporting subunit alpha 2; plus strand). Cytogenetic location: 1q23.2.
Variant type: single nucleotide variant.
Coding change: c.1861G>A on transcript NM_000702.4 (MANE Select); coding-DNA position 1861, G replaced by A.
Protein change: p.Ala621Thr; replaces alanine 621 with threonine.
Molecular consequence: missense variant.
Genome position (GRCh38, 1-based): chr1:160,134,517, G>A. VCF-style: chr1-160134517-G-A. GRCh37 (hg19) VCF-style: chr1-160104307-G-A.
Other names: short protein forms A621T.
Identifiers: ClinVar variation 1468504 (VCV001468504.8), dbSNP rs1342951917, ClinGen allele CA343246672.